The following is an entry in ClinVar:

ClinVar aggregate classification (germline): Uncertain significance (1 of 4 stars; one submission).

Submission:

Labcorp Genetics (formerly Invitae), Labcorp
Classification: Uncertain significance. Last evaluated: 2022-07-19. Review status: criteria provided, single submitter. Criteria: Invitae Variant Classification Sherloc (09022015). Collection method: clinical testing. Allele origin: germline.
Comment: In summary, the available evidence is currently insufficient to determine the role of this variant in disease. Therefore, it has been classified as a Variant of Uncertain Significance. Algorithms developed to predict the effect of missense changes on protein structure and function (SIFT, PolyPhen-2, Align-GVGD) all suggest that this variant is likely to be disruptive. This variant has not been reported in the literature in individuals affected with TCTEX1D2-related conditions. This variant is not present in population databases (gnomAD no frequency). This sequence change replaces valine, which is neutral and non-polar, with alanine, which is neutral and non-polar, at codon 92 of the TCTEX1D2 protein (p.Val92Ala).

NM_152773.5(DYNLT2B):c.275T>C (p.Val92Ala)

Gene: DYNLT2B (dynein light chain Tctex-type 2B; minus strand). Cytogenetic location: 3q29.
Variant type: single nucleotide variant.
Coding change: c.275T>C on transcript NM_152773.5 (MANE Select); coding-DNA position 275, T replaced by C.
Protein change: p.Val92Ala; replaces valine 92 with alanine.
Molecular consequence: missense variant.
Genome position (GRCh38, 1-based): chr3:196,306,985, A>G on the plus strand (T>C on the coding strand, the complement: DYNLT2B is on the minus strand). VCF-style: chr3-196306985-A-G. GRCh37 (hg19) VCF-style: chr3-196033856-A-G.
Other names: c.275T>C, p.Val92Ala (NM_001351628.2); short protein forms V92A.
Identifiers: ClinVar variation 1976169 (VCV001976169.5), dbSNP rs2474092574, ClinGen allele CA355604760.
Genomic context (GRCh38, chr3:196,306,985, plus strand): 5'-GAAAATCCAGCTACTCACAATACTCCTTCACCTCTTTGTTCTCCAATCACTACTTGCACC[A>G]CCATTTTGTATCGGTCAAATCCCATTTCTAGAAAGAAAAAATAAGGTTATTTATAAGCAA-3'
Protein context (NP_689986.2, residues 82-102): KEMGFDRYKM[Val92Ala]VQVVIGEQRG